The following is an entry in ClinVar:

NM_024675.4(PALB2):c.481_482del (p.Asp161fs)

Gene: PALB2 (partner and localizer of BRCA2; minus strand). Cytogenetic location: 16p12.2.
Variant type: Microsatellite.
Coding change: c.481_482del on transcript NM_024675.4 (MANE Select); coding-DNA positions 481 to 482, 2 bases deleted (GA; older notation c.481_482delGA).
Protein change: p.Asp161fs; shifts the reading frame from aspartic acid 161.
Molecular consequence: frameshift variant.
Genome position (GRCh38, 1-based): chr16:23,636,064-23,636,065, TC deleted on the plus strand (GA on the coding strand, the reverse complement: PALB2 is on the minus strand); deleting any 2 consecutive bases within chr16:23,636,064-23,636,071 gives the same sequence; the c. name uses the placement nearest the transcript's 3' end. VCF-style (leftmost placement, unchanged base first): chr16-23636063-GTC-G. GRCh37 (hg19) VCF-style: chr16-23647384-GTC-G.
Other names: c.481_482del (NM_024675.3); c.481_482delGA (NM_024675.4); short protein forms D161fs.
Identifiers: ClinVar variation 825195 (VCV000825195.15), dbSNP rs1597099149, ClinGen allele CA915949135.
Genomic context (GRCh38, chr16:23,636,063, plus strand): 5'-TTCTTCCTGTTCCTTTAGTCTTTTCCCAGACAATCTGAGTGAATCAGTGCCAAAGACACA[GTC>G]TCTCTCCTGTGAAATAAATGTCCTCTTCTGCTGCTTCTTTCTTCTGCTTGGCAGCTTCTG-3'

ClinVar aggregate classification (germline): Pathogenic. Review status: criteria provided, multiple submitters, no conflicts (2 of 4 stars). 4 submissions from 4 submitters: Pathogenic (4). Last evaluated 2025-10-10.

Conditions:
Hereditary cancer-predisposing syndrome. Also called: Hereditary Cancer Syndrome; Hereditary neoplastic syndrome; Neoplastic Syndromes, Hereditary; Tumor predisposition. Identifiers: Orphanet 140162, MedGen C0027672, MeSH D009386, MONDO:0015356.
Familial prostate cancer. Also called: Hereditary Prostate Cancer. Identifiers: MedGen C2931456, MONDO:0700275, OMIM 176807.
Familial cancer of breast. Also called: Hereditary breast cancer; hereditary breast carcinoma; BREAST CANCER, FAMILIAL. Identifiers: Orphanet 227535, MedGen C0346153, MONDO:0016419, OMIM 114480. Disease mechanism: loss of function.

Submissions (4):

Women's Health and Genetics/Laboratory Corporation of America, LabCorp
Classification: Pathogenic for Familial prostate cancer. Last evaluated: 2025-10-10. Review status: criteria provided, single submitter. Criteria: LabCorp Variant Classification Summary - May 2015. Collection method: clinical testing. Allele origin: germline.
Comment: Variant summary: PALB2 c.481_482delGA (p.Asp161LeufsX6) results in a premature termination codon, predicted to cause a truncation of the encoded protein or absence of the protein due to nonsense mediated decay, which are commonly known mechanisms for disease. The variant was absent in 251448 control chromosomes. c.481_482delGA has been observed in individuals affected with Breast and/or Ovarian Cancer (2015, Sahin_2022). These data indicate that the variant is very likely to be associated with disease. To our knowledge, no experimental evidence demonstrating an impact on protein function has been reported. The following publications have been ascertained in the context of this evaluation (PMID: 26270727, 35089076). ClinVar contains an entry for this variant (Variation ID: 825195). Based on the evidence outlined above, the variant was classified as pathogenic.

Labcorp Genetics (formerly Invitae), Labcorp
Classification: Pathogenic for Familial cancer of breast. Last evaluated: 2025-08-11. Review status: criteria provided, single submitter. Criteria: Invitae Variant Classification Sherloc (09022015). Collection method: clinical testing. Allele origin: germline.
Comment: This sequence change creates a premature translational stop signal (p.Asp161Leufs*6) in the PALB2 gene. It is expected to result in an absent or disrupted protein product. Loss-of-function variants in PALB2 are known to be pathogenic (PMID: 17200668, 17200671, 17200672, 24136930, 25099575). This variant is not present in population databases (gnomAD no frequency). This premature translational stop signal has been observed in individual(s) with personal or family history of breast and/or ovarian cancer (PMID: 26270727). ClinVar contains an entry for this variant (Variation ID: 825195). For these reasons, this variant has been classified as Pathogenic.

Myriad Genetics, Inc.
Classification: Pathogenic for Familial cancer of breast. Last evaluated: 2023-09-06. Review status: criteria provided, single submitter. Criteria: Myriad Autosomal Dominant, Autosomal Recessive and X-Linked Classification Criteria (2023). Collection method: clinical testing. Allele origin: unknown.
Comment: This variant is considered pathogenic. This variant creates a frameshift predicted to result in premature protein truncation.

Ambry Genetics
Classification: Pathogenic for Hereditary cancer-predisposing syndrome. Last evaluated: 2019-09-14. Review status: criteria provided, single submitter. Criteria: Ambry Variant Classification Scheme 2023. Collection method: clinical testing. Allele origin: germline.
Comment: The c.481_482delGA pathogenic mutation, located in coding exon 4 of the PALB2 gene, results from a deletion of two nucleotides at nucleotide positions 481 to 482, causing a translational frameshift with a predicted alternate stop codon (p.D161Lfs*6). This mutation has been reported in an individual with a personal and family history of breast cancer tested as part of a cohort of 1046 individuals who were appropriate candidates for hereditary breast and ovarian cancer syndrome (HBOC) evaluation and who lacked BRCA1/2 mutations (Desmond A et al. JAMA Oncol, 2015 Oct;1:943-51). In addition to the clinical data presented in the literature, this alteration is expected to result in loss of function by premature protein truncation or nonsense-mediated mRNA decay. As such, this alteration is interpreted as a disease-causing mutation.

Literature cited by the submitters: PubMed 26270727 (cited by 3 submitters); PubMed 35089076 (cited by Women's Health and Genetics/Laboratory Corporation of America, LabCorp); PubMed 17200668 (cited by Labcorp Genetics (formerly Invitae), Labcorp); PubMed 17200671 (cited by Labcorp Genetics (formerly Invitae), Labcorp); PubMed 17200672 (cited by Labcorp Genetics (formerly Invitae), Labcorp); PubMed 24136930 (cited by Labcorp Genetics (formerly Invitae), Labcorp); PubMed 25099575 (cited by Labcorp Genetics (formerly Invitae), Labcorp).